The following is an entry in ClinVar:

ClinVar aggregate classification (germline): Uncertain significance. Review status: criteria provided, multiple submitters, no conflicts (2 of 4 stars). 3 submissions from 3 submitters: Uncertain significance (3). Last evaluated 2025-09-25.

Allele frequency attached by ClinVar (database versions not stated): ExAC 0.00007; gnomAD exomes 0.00008 and 0.00009; TOPMed 0.00009; gnomAD 0.00013 and 0.00014.
gnomAD v4.1: 134 of 1,613,542 alleles (0.0083%); highest among the groups gnomAD compares: Non-Finnish European, 0.011%; no homozygotes.

Submissions (3):

GeneDx
Classification: Uncertain significance. Last evaluated: 2025-09-25. Review status: criteria provided, single submitter. Criteria: GeneDx Variant Classification Process June 2021. Collection method: clinical testing. Allele origin: germline. Affected: yes.
Comment: In silico analysis suggests that this missense variant does not alter protein structure/function; Has not been previously published as pathogenic or benign to our knowledge

Labcorp Genetics (formerly Invitae), Labcorp
Classification: Uncertain significance. Last evaluated: 2025-09-08. Review status: criteria provided, single submitter. Criteria: Invitae Variant Classification Sherloc (09022015). Collection method: clinical testing. Allele origin: germline.
Comment: This sequence change replaces arginine, which is basic and polar, with cysteine, which is neutral and slightly polar, at codon 1396 of the WDR62 protein (p.Arg1396Cys). This variant is present in population databases (rs778841660, gnomAD 0.02%). This variant has not been reported in the literature in individuals affected with WDR62-related conditions. ClinVar contains an entry for this variant (Variation ID: 424577). An algorithm developed to predict the effect of missense changes on protein structure and function outputs the following: PolyPhen-2: "Benign". The cysteine amino acid residue is found in multiple mammalian species, which suggests that this missense change does not adversely affect protein function. In summary, the available evidence is currently insufficient to determine the role of this variant in disease. Therefore, it has been classified as a Variant of Uncertain Significance.

CeGaT Center for Human Genetics Tuebingen
Classification: Uncertain significance. Last evaluated: 2024-08-01. Review status: criteria provided, single submitter. Criteria: CeGaT Center For Human Genetics Tuebingen Variant Classification Criteria Version 2. Collection method: clinical testing. Allele origin: germline. Affected: yes. Observed: 1 variant allele.
Comment: WDR62: PM2, BP4

NM_001083961.2(WDR62):c.4186C>T (p.Arg1396Cys)

Gene: WDR62 (WD repeat domain 62; plus strand). Cytogenetic location: 19q13.12.
Variant type: single nucleotide variant.
Coding change: c.4186C>T on transcript NM_001083961.2 (MANE Select); coding-DNA position 4186, C replaced by T.
Protein change: p.Arg1396Cys; replaces arginine 1396 with cysteine.
Molecular consequence: missense variant.
Genome position (GRCh38, 1-based): chr19:36,104,550, C>T. VCF-style: chr19-36104550-C-T. GRCh37 (hg19) VCF-style: chr19-36595452-C-T.
Other names: c.4171C>T, p.Arg1391Cys (NM_173636.5); short protein forms R1396C, R1391C.
Identifiers: ClinVar variation 424577 (VCV000424577.22), dbSNP rs778841660, ClinGen allele CA9396499.